The following is an entry in ClinVar:

NC_000022.11:g.40345530C>T

Gene: ADSL (adenylosuccinate lyase; plus strand). Cytogenetic location: 22q13.1.
Variant type: single nucleotide variant.
Genome position: GRCh38 VCF-style: chr22-40345530-C-T. GRCh37 (hg19) VCF-style: chr22-40741534-C-T.
Identifiers: ClinVar variation 1514096 (VCV001514096.3), dbSNP rs753742645, ClinGen allele CA324446212.

ClinVar aggregate classification (germline): Uncertain significance (1 of 4 stars; one submission).

Conditions:
Adenylosuccinate lyase deficiency (ADSLD). Also called: ADSL DEFICIENCY. Identifiers: Orphanet 46, MedGen C0268126, MONDO:0007068, OMIM 103050.

Allele frequency attached by ClinVar (database versions not stated): gnomAD 0.00010 and 0.00012.

Submission:

Labcorp Genetics (formerly Invitae), Labcorp
Classification: Uncertain significance for Adenylosuccinate lyase deficiency. Last evaluated: 2022-10-17. Review status: criteria provided, single submitter. Criteria: Invitae Variant Classification Sherloc (09022015). Collection method: clinical testing. Allele origin: germline.
Comment: This variant occurs in a non-coding region of the ADSL gene. It does not change the encoded amino acid sequence of the ADSL protein. This variant is present in population databases (rs753742645, gnomAD 0.02%). This variant has not been reported in the literature in individuals affected with ADSL-related conditions. Experimental studies and prediction algorithms are not available or were not evaluated, and the functional significance of this variant is currently unknown. In summary, the available evidence is currently insufficient to determine the role of this variant in disease. Therefore, it has been classified as a Variant of Uncertain Significance.